The following is an entry in ClinVar:

ClinVar aggregate classification (germline): Conflicting classifications of pathogenicity. Review status: criteria provided, conflicting classifications (1 of 4 stars). 4 submissions from 4 submitters: Uncertain significance (2); Likely benign (2). Last evaluated 2026-09-29.

Conditions:
Cardiovascular phenotype. Identifiers: MedGen CN230736.
Familial hypercholesterolemia. Also called: Familial hypercholesterolaemia; Familial hypercholesterolemias. Identifiers: MedGen C0020445, MONDO:0005439.
Familial hypobetalipoproteinemia 1. Also called: Hypobetalipoproteinemia, normotriglyceridemic; Acanthocytosis with hypobetalipoproteinemia; APOB-Related Familial Hypobetalipoproteinemia. Identifiers: MedGen C4551990, MONDO:0014252, OMIM 615558.
Hypercholesterolemia, autosomal dominant, type B (FHCL2). Also called: Hyperlipoproteinemia Type IIb; HYPERCHOLESTEROLEMIA, FAMILIAL, DUE TO LIGAND-DEFECTIVE APOLIPOPROTEIN B; Familial Hypercholesterolemia Type B; APOB-Related Familial Hypercholesterolemia, Autosomal Dominant; APOLIPOPROTEIN B-100, FAMILIAL DEFECTIVE; APOLIPOPROTEIN B-100, FAMILIAL LIGAND-DEFECTIVE. Identifiers: MedGen C1704417, MONDO:0007751, OMIM 144010.

Allele frequency attached by ClinVar (database versions not stated): gnomAD exomes 0.00001 and 0.00002; ExAC 0.00002; gnomAD 0.00002.
gnomAD v4.1: 21 of 1,614,000 alleles (0.0013%); highest among the groups gnomAD compares: Admixed American, 0.0083%; no homozygotes.

Submissions (4):

Cambridge Genomics Laboratory, East Genomic Laboratory Hub, NHS Genomic Medicine Service
Classification: Uncertain significance for Familial hypercholesterolaemia. Last evaluated: 2026-09-29. Review status: criteria provided, single submitter. Criteria: ACGS Best Practice Guidelines for Variant Classification in Rare Disease 2020. Collection method: clinical testing. Allele origin: germline. Affected: yes.
Comment: PM2_Supporting,PP4

Labcorp Genetics (formerly Invitae), Labcorp
Classification: Likely benign for Familial hypobetalipoproteinemia 1; Hypercholesterolemia, autosomal dominant, type B. Last evaluated: 2025-08-03. Review status: criteria provided, single submitter. Criteria: Invitae Variant Classification Sherloc (09022015). Collection method: clinical testing. Allele origin: germline.

Ambry Genetics
Classification: Likely benign for Cardiovascular phenotype. Last evaluated: 2024-11-13. Review status: criteria provided, single submitter. Criteria: Ambry Variant Classification Scheme 2023. Collection method: clinical testing. Allele origin: germline.

New York Genome Center
Classification: Uncertain significance for Hypercholesterolemia, autosomal dominant, type B; Familial hypobetalipoproteinemia 1. Last evaluated: 2023-01-17. Review status: criteria provided, single submitter. Criteria: NYGC Assertion Criteria 2020. Collection method: clinical testing. Allele origin: germline. Observed: 1 heterozygote.

Literature cited by the submitters: PubMed 29572815 (cited by Ambry Genetics).

NM_000384.3(APOB):c.10114T>G (p.Ser3372Ala)

Gene: APOB (apolipoprotein B; minus strand). Cytogenetic location: 2p24.1.
Variant type: single nucleotide variant.
Coding change: c.10114T>G on transcript NM_000384.3 (MANE Select); coding-DNA position 10114, T replaced by G.
Protein change: p.Ser3372Ala; replaces serine 3372 with alanine.
Molecular consequence: missense variant.
Genome position (GRCh38, 1-based): chr2:21,006,754, A>C on the plus strand (T>G on the coding strand, the complement: APOB is on the minus strand). VCF-style: chr2-21006754-A-C. GRCh37 (hg19) VCF-style: chr2-21229626-A-C.
Other names: c.10114T>G (NM_000384.2); short protein forms S3372A.
Identifiers: ClinVar variation 1479593 (VCV001479593.9), dbSNP rs138850232, ClinGen allele CA042447.